The following is an entry in ClinVar:

NM_024529.5(CDC73):c.1274del (p.Tyr425fs)

Gene: CDC73 (cell division cycle 73; plus strand). Cytogenetic location: 1q31.2.
Variant type: Deletion.
Coding change: c.1274del on transcript NM_024529.5 (MANE Select); coding-DNA position 1274, one base deleted (A; older notation c.1274delA).
Protein change: p.Tyr425fs; shifts the reading frame from tyrosine 425.
Molecular consequence: frameshift variant.
Genome position (GRCh38, 1-based): chr1:193,233,112, A deleted. VCF-style (leftmost placement, unchanged base first): chr1-193233111-TA-T. GRCh37 (hg19) VCF-style: chr1-193202241-TA-T.
Other names: short protein forms Y425fs.
Identifiers: ClinVar variation 4735449 (VCV004735449.1).
Genomic context (GRCh38, chr1:193,233,111, plus strand): 5'-ATACAAAGAAGAAAAGACCAGATGCAACCAGGGGGCACTGCAATTAGTGTTACAGTACCT[TA>T]TAGAGTAGTAGACCAGCCCCTTAAACTTATGCCTCAAGACTGGTAAGATAGTCTCTATAT-3'

ClinVar aggregate classification (germline): Pathogenic (1 of 4 stars; one submission).

Conditions:
Parathyroid carcinoma (PRTC). Also called: CDC73-Related Parathyroid Carcinoma; Parathyroid gland carcinoma. Identifiers: Orphanet 143, MedGen C0687150, MONDO:0012004, OMIM 608266, HP:0006780.

Submission:

Labcorp Genetics (formerly Invitae), Labcorp
Classification: Pathogenic for Parathyroid carcinoma. Last evaluated: 2026-01-15. Review status: criteria provided, single submitter. Criteria: Invitae Variant Classification Sherloc (09022015). Collection method: clinical testing. Allele origin: germline.
Comment: This sequence change creates a premature translational stop signal (p.Tyr425Leufs*3) in the CDC73 gene. It is expected to result in an absent or disrupted protein product. Loss-of-function variants in CDC73 are known to be pathogenic (PMID: 12434154). This variant is not present in population databases (gnomAD no frequency). This variant has not been reported in the literature in individuals affected with CDC73-related conditions. For these reasons, this variant has been classified as Pathogenic.

Literature cited by the submitters: PubMed 12434154.